The following is an entry in ClinVar:

ClinVar aggregate classification (germline): Pathogenic. Review status: criteria provided, multiple submitters, no conflicts (2 of 4 stars). 2 submissions from 2 submitters: Pathogenic (2). Last evaluated 2025-07-23.

Conditions:
Duchenne muscular dystrophy (DMD). Also called: MUSCULAR DYSTROPHY, PSEUDOHYPERTROPHIC PROGRESSIVE, DUCHENNE TYPE; Duchenne Muscular Dystrophy (DMD). Identifiers: Orphanet 98896, MedGen C0013264, MONDO:0010679, OMIM 310200.

Submissions (2):

Labcorp Genetics (formerly Invitae), Labcorp
Classification: Pathogenic for Duchenne muscular dystrophy. Last evaluated: 2025-07-23. Review status: criteria provided, single submitter. Criteria: Invitae Variant Classification Sherloc (09022015). Collection method: clinical testing. Allele origin: germline.
Comment: This sequence change affects a donor splice site in intron 15 of the DMD gene. It is expected to disrupt RNA splicing. Variants that disrupt the donor or acceptor splice site typically lead to a loss of protein function (PMID: 16199547), and loss-of-function variants in DMD are known to be pathogenic (PMID: 16770791, 25007885). This variant is not present in population databases (gnomAD no frequency). Disruption of this splice site has been observed in individuals with Becker or Duchenne muscular dystrophy (PMID: 32194622). ClinVar contains an entry for this variant (Variation ID: 501780). Algorithms developed to predict the effect of sequence changes on RNA splicing suggest that this variant may disrupt the consensus splice site. For these reasons, this variant has been classified as Pathogenic.

Eurofins Ntd Llc (ga)
Classification: Pathogenic. Last evaluated: 2017-05-10. Review status: criteria provided, single submitter. Criteria: EGL Classification Definitions 2015. Collection method: clinical testing. Allele origin: germline. Observed: 1 variant allele, 1 heterozygote.

Literature cited by the submitters: PubMed 16199547 (cited by Labcorp Genetics (formerly Invitae), Labcorp); PubMed 16770791 (cited by Labcorp Genetics (formerly Invitae), Labcorp); PubMed 25007885 (cited by Labcorp Genetics (formerly Invitae), Labcorp); PubMed 32194622 (cited by Labcorp Genetics (formerly Invitae), Labcorp).

NM_004006.3(DMD):c.1812+2T>A

Gene: DMD (dystrophin; minus strand). Cytogenetic location: Xp21.1.
Variant type: single nucleotide variant.
Coding change: c.1812+2T>A on transcript NM_004006.3 (MANE Select); the canonical splice donor site of the intron after coding-DNA position 1812, T replaced by A.
Molecular consequence: splice donor variant.
Genome position (GRCh38, 1-based): chrX:32,573,528, A>T on the plus strand (T>A on the coding strand, the complement: DMD is on the minus strand). VCF-style: chrX-32573528-A-T. GRCh37 (hg19) VCF-style: chrX-32591645-A-T.
Other names: c.1788+2T>A (NM_000109.4); c.1800+2T>A (NM_004009.3); c.1443+2T>A (NM_004010.3).
Identifiers: ClinVar variation 501780 (VCV000501780.6), dbSNP rs1556809625, ClinGen allele CA412673061.